The following is an entry in ClinVar:

NM_005430.4(WNT1):c.990C>A (p.Cys330Ter)

Gene: WNT1 (Wnt family member 1; plus strand). Cytogenetic location: 12q13.12.
Variant type: single nucleotide variant.
Coding change: c.990C>A on transcript NM_005430.4 (MANE Select); coding-DNA position 990, C replaced by A.
Protein change: p.Cys330Ter; replaces cysteine 330 with a stop codon.
Molecular consequence: nonsense.
Genome position (GRCh38, 1-based): chr12:48,981,517, C>A. VCF-style: chr12-48981517-C-A. GRCh37 (hg19) VCF-style: chr12-49375300-C-A.
Other names: short protein forms C330*.
Identifiers: ClinVar variation 3721134 (VCV003721134.2).

ClinVar aggregate classification (germline): Pathogenic (1 of 4 stars; one submission).

Submission:

Labcorp Genetics (formerly Invitae), Labcorp
Classification: Pathogenic. Last evaluated: 2024-05-09. Review status: criteria provided, single submitter. Criteria: Invitae Variant Classification Sherloc (09022015). Collection method: clinical testing. Allele origin: germline.
Comment: This sequence change creates a premature translational stop signal (p.Cys330*) in the WNT1 gene. While this is not anticipated to result in nonsense mediated decay, it is expected to disrupt the last 41 amino acid(s) of the WNT1 protein. The frequency data for this variant in the population databases is considered unreliable, as metrics indicate poor data quality at this position in the gnomAD database. This premature translational stop signal has been observed in individual(s) with autosomal recessive osteogenesis imperfecta (PMID: 23709755, 29620724). This variant disrupts a region of the WNT1 protein in which other variant(s) (p.Val355Phe) have been determined to be pathogenic (PMID: 23434763, 25010833). This suggests that this is a clinically significant region of the protein, and that variants that disrupt it are likely to be disease-causing. For these reasons, this variant has been classified as Pathogenic.

Literature cited by the submitters: PubMed 23709755; PubMed 29620724; PubMed 23434763; PubMed 25010833.